The following is an entry in ClinVar:

NM_004560.4(ROR2):c.440C>G (p.Thr147Ser)

Gene: ROR2 (receptor tyrosine kinase like orphan receptor 2; minus strand). Cytogenetic location: 9q22.31.
Variant type: single nucleotide variant.
Coding change: c.440C>G on transcript NM_004560.4 (MANE Select); coding-DNA position 440, C replaced by G.
Protein change: p.Thr147Ser; replaces threonine 147 with serine.
Molecular consequence: missense variant.
Genome position (GRCh38, 1-based): chr9:91,757,295, G>C on the plus strand (C>G on the coding strand, the complement: ROR2 is on the minus strand). VCF-style: chr9-91757295-G-C. GRCh37 (hg19) VCF-style: chr9-94519577-G-C.
Other names: c.440C>G, p.Thr147Ser (NM_001318204.2); short protein forms T147S.
Identifiers: ClinVar variation 4082508 (VCV004082508.2).

ClinVar aggregate classification (germline): Uncertain significance (1 of 4 stars; one submission).

gnomAD v4.1: 6 of 1,614,088 alleles (0.00037%); highest among the groups gnomAD compares: South Asian, 0.0066%; no homozygotes.

Submission:

Genetic Services Laboratory, University of Chicago
Classification: Uncertain significance. Last evaluated: 2023-02-28. Review status: criteria provided, single submitter. Criteria: ACMG Guidelines, 2015. Collection method: clinical testing. Allele origin: germline. Affected: no.
Comment: DNA sequence analysis of the ROR2 gene demonstrated a sequence change, c.440C>G, in exon 3 that results in an amino acid change, p.Thr147Ser. This sequence change does not appear to have been previously described in individuals with ROR2-related disorders. This sequence change has been described in the gnomAD database in one individual which corresponds to a population frequency of 0.0003% (dbSNP rs1366524509). The p.Thr147Ser change affects a highly conserved amino acid residue located in a domain of the ROR2 protein that is known to be functional. In-silico pathogenicity prediction tools (SIFT, PolyPhen2, Align GVGD, REVEL) provide contradictory results for the p.Thr147Ser substitution. Due to insufficient evidences and the lack of functional studies, the clinical significance of the p.Thr147Ser change remains unknown at this time.